The following is an entry in ClinVar:

ClinVar aggregate classification (germline): Uncertain significance. Review status: criteria provided, multiple submitters, no conflicts (2 of 4 stars). 2 submissions from 2 submitters: Uncertain significance (2). Last evaluated 2026-06-18.

Conditions:
Hereditary cancer-predisposing syndrome. Also called: Hereditary neoplastic syndrome; Neoplastic Syndromes, Hereditary; Tumor predisposition; Hereditary Cancer Syndrome. Identifiers: Orphanet 140162, MedGen C0027672, MeSH D009386, MONDO:0015356.

Submissions (2):

Ambry Genetics
Classification: Uncertain significance for Hereditary cancer-predisposing syndrome. Last evaluated: 2026-06-18. Review status: criteria provided, single submitter. Criteria: Ambry Variant Classification Scheme 2023. Collection method: clinical testing. Allele origin: germline.
Comment: The p.D12G variant (also known as c.35A>G), located in coding exon 1 of the POLE gene, results from an A to G substitution at nucleotide position 35. The aspartic acid at codon 12 is replaced by glycine, an amino acid with similar properties. This amino acid position is conserved. In addition, this alteration is predicted to be tolerated by in silico analysis. Based on the available evidence, the clinical significance of this variant remains unclear.

Labcorp Genetics (formerly Invitae), Labcorp
Classification: Uncertain significance. Last evaluated: 2022-07-06. Review status: criteria provided, single submitter. Criteria: Invitae Variant Classification Sherloc (09022015). Collection method: clinical testing. Allele origin: germline.
Comment: In summary, the available evidence is currently insufficient to determine the role of this variant in disease. Therefore, it has been classified as a Variant of Uncertain Significance. This sequence change replaces aspartic acid, which is acidic and polar, with glycine, which is neutral and non-polar, at codon 12 of the POLE protein (p.Asp12Gly). This variant is not present in population databases (gnomAD no frequency). This variant has not been reported in the literature in individuals affected with POLE-related conditions. Algorithms developed to predict the effect of missense changes on protein structure and function (SIFT, PolyPhen-2, Align-GVGD) all suggest that this variant is likely to be tolerated.

NM_006231.4(POLE):c.35A>G (p.Asp12Gly)

Genes: POLE (DNA polymerase epsilon, catalytic subunit; minus strand), LOC130009266 (ATAC-STARR-seq lymphoblastoid silent region 5123; plus strand). Cytogenetic location: 12q24.33.
Variant type: single nucleotide variant.
Coding change: c.35A>G on transcript NM_006231.4 (MANE Select); coding-DNA position 35, A replaced by G.
Protein change: p.Asp12Gly; replaces aspartic acid 12 with glycine.
Molecular consequence: missense variant.
Genome position (GRCh38, 1-based): chr12:132,687,281, T>C on the plus strand (A>G on the coding strand, the complement: POLE is on the minus strand). VCF-style: chr12-132687281-T-C. GRCh37 (hg19) VCF-style: chr12-133263867-T-C.
Other names: c.35A>G (NM_006231.2); short protein forms D12G.
Identifiers: ClinVar variation 2006807 (VCV002006807.5), dbSNP rs2136052132, ClinGen allele CA387373415.
Genomic context (GRCh38, chr12:132,687,281, plus strand): 5'-CCGGCCCGAGAGCCTCAGGAGGGCGCCCCTCACCTGCTGGCCTCGCCATCCGCGCCTGGG[T>C]CCGCGCGCCGCCGCCCGCCGCTCCTCAGAGACATGGAGCCGTTGGCTACCACCTCTGCTT-3'
Protein context (NP_006222.2, residues 2-22): SLRSGGRRRA[Asp12Gly]PGADGEASRD